The following is an entry in ClinVar:

ClinVar aggregate classification (germline): Uncertain significance (1 of 4 stars; one submission).

Submission:

GeneDx
Classification: Uncertain significance. Last evaluated: 2024-12-23. Review status: criteria provided, single submitter. Criteria: GeneDx Variant Classification Process June 2021. Collection method: clinical testing. Allele origin: germline. Affected: yes.
Comment: Not observed at significant frequency in large population cohorts (gnomAD); Has not been previously published as pathogenic or benign to our knowledge; Nonsense variant predicted to result in protein truncation or nonsense mediated decay in a gene for which loss-of-function is not a known mechanism of disease

NM_006445.4(PRPF8):c.6010C>T (p.Gln2004Ter)

Gene: PRPF8 (pre-mRNA processing factor 8; minus strand). Cytogenetic location: 17p13.3.
Variant type: single nucleotide variant.
Coding change: c.6010C>T on transcript NM_006445.4 (MANE Select); coding-DNA position 6010, C replaced by T.
Protein change: p.Gln2004Ter; replaces glutamine 2004 with a stop codon.
Molecular consequence: nonsense.
Genome position (GRCh38, 1-based): chr17:1,653,994, G>A on the plus strand (C>T on the coding strand, the complement: PRPF8 is on the minus strand). VCF-style: chr17-1653994-G-A. GRCh37 (hg19) VCF-style: chr17-1557288-G-A.
Other names: short protein forms Q2004*.
Identifiers: ClinVar variation 3906379 (VCV003906379.1).
Genomic context (GRCh38, chr17:1,653,994, plus strand): 5'-GCCGCTGCTGTGACGGTGCCGAGATCTCCATACCCAGGATGATGTCTCGAATTTCTGATT[G>A]TGTCAGTGATGCCACGTTCACACTGTGGGGATGGTGTGGGTTATATTACAAGGATCCCTT-3'